The following is an entry in ClinVar:

ClinVar aggregate classification (germline): Conflicting classifications of pathogenicity. Review status: criteria provided, conflicting classifications (1 of 4 stars). 4 submissions from 4 submitters: Pathogenic (3); Uncertain significance (1). Last evaluated 2025-02-17.

Conditions:
Metaphyseal chondrodysplasia, Schmid type (MCDS). Also called: SPONDYLOMETAPHYSEAL DYSPLASIA, JAPANESE TYPE. Identifiers: Orphanet 174, MedGen C0265289, MONDO:0007983, OMIM 156500.
COL10A1-related disorders.

Submissions (4):

Labcorp Genetics (formerly Invitae), Labcorp
Classification: Pathogenic. Last evaluated: 2025-02-17. Review status: criteria provided, single submitter. Criteria: Invitae Variant Classification Sherloc (09022015). Collection method: clinical testing. Allele origin: germline.
Comment: This sequence change creates a premature translational stop signal (p.Trp651*) in the COL10A1 gene. While this is not anticipated to result in nonsense mediated decay, it is expected to disrupt the last 30 amino acid(s) of the COL10A1 protein. This variant is not present in population databases (gnomAD no frequency). This premature translational stop signal has been observed in individual(s) with Schmid metaphyseal chondrodysplasia (PMID: 7749409, 16088909). In at least one individual the variant was observed to be de novo. ClinVar contains an entry for this variant (Variation ID: 988566). This variant is located in a region of the COL10A1 protein where a significant number of COL10A1 nonsense and frameshift mutations have been reported in association with autosomal dominant metaphyseal chondrodysplasia (PMID: 21447328, 33764685, 36400164). For these reasons, this variant has been classified as Pathogenic.

Baylor Genetics
Classification: Uncertain significance for Metaphyseal chondrodysplasia, Schmid type. Last evaluated: 2020-04-14. Review status: criteria provided, single submitter. Criteria: ACMG Guidelines, 2015. Collection method: clinical testing. Allele origin: unknown. Affected: yes.
Comment: This variant was determined to be of uncertain significance according to ACMG Guidelines, 2015 [PMID:25741868].

Blueprint Genetics
Classification: Pathogenic for COL10A1-related disorders. Last evaluated: 2019-02-12. Review status: criteria provided, single submitter. Criteria: ACMG Guidelines, 2015. Collection method: clinical testing. Allele origin: germline. Affected: yes. Observed: 1 variant allele.

Clinical Genetics and Genomics, Karolinska University Hospital
Classification: Pathogenic. Last evaluated: 2018-11-05. Review status: criteria provided, single submitter. Criteria: ACMG Guidelines, 2015. Collection method: clinical testing. Allele origin: germline. Affected: yes. Observed: 1 variant allele.

Literature cited by the submitters: PubMed 7749409 (cited by Labcorp Genetics (formerly Invitae), Labcorp); PubMed 16088909 (cited by Labcorp Genetics (formerly Invitae), Labcorp); PubMed 21447328 (cited by Labcorp Genetics (formerly Invitae), Labcorp); PubMed 33764685 (cited by Labcorp Genetics (formerly Invitae), Labcorp); PubMed 36400164 (cited by Labcorp Genetics (formerly Invitae), Labcorp).

NM_000493.4(COL10A1):c.1952G>A (p.Trp651Ter)

Genes: COL10A1 (collagen type X alpha 1 chain; minus strand), NT5DC1 (5'-nucleotidase domain containing 1; plus strand). Cytogenetic location: 6q22.1.
Variant type: single nucleotide variant.
Coding change: c.1952G>A on transcript NM_000493.4 (MANE Select); coding-DNA position 1952, G replaced by A.
Protein change: p.Trp651Ter; replaces tryptophan 651 with a stop codon.
Molecular consequence: nonsense. On other transcripts: intron variant (1).
Genome position (GRCh38, 1-based): chr6:116,120,164, C>T on the plus strand (G>A on the coding strand, the complement: COL10A1 is on the minus strand). VCF-style: chr6-116120164-C-T. GRCh37 (hg19) VCF-style: chr6-116441327-C-T.
Other names: c.1952G>A, p.Trp651Ter (NM_001424106.1, NM_001424107.1); c.529+2219C>T (NM_152729.3); short protein forms W651*.
Identifiers: ClinVar variation 988566 (VCV000988566.5), dbSNP rs1779066482, ClinGen allele CA365386332.
Genomic context (GRCh38, chr6:116,120,164, plus strand): 5'-GAGGAGTGGACATACTCAGAGGAGTATAGGCCATTTGACTCGGCATTGGGAAGCTGGAGC[C>T]ACACCTGGTCATTTTCTGTGAGATCGATGATGGCACTCCCTGAAGCCTGATCCAGGTAGC-3'